The following is an entry in ClinVar:

NM_015909.4(NBAS):c.583G>A (p.Ala195Thr)

Gene: NBAS (NBAS subunit of NRZ tethering complex; minus strand). Cytogenetic location: 2p24.3.
Variant type: single nucleotide variant.
Coding change: c.583G>A on transcript NM_015909.4 (MANE Select); coding-DNA position 583, G replaced by A.
Protein change: p.Ala195Thr; replaces alanine 195 with threonine.
Molecular consequence: missense variant. On other transcripts: non-coding transcript variant (1).
Genome position (GRCh38, 1-based): chr2:15,536,482, C>T on the plus strand (G>A on the coding strand, the complement: NBAS is on the minus strand). VCF-style: chr2-15536482-C-T. GRCh37 (hg19) VCF-style: chr2-15676606-C-T.
Other names: c.583G>A (NM_015909.3, NM_015909.2); short protein forms A195T.
Identifiers: ClinVar variation 1378255 (VCV001378255.5), dbSNP rs572530248, ClinGen allele CA345886201.
Genomic context (GRCh38, chr2:15,536,482, plus strand): 5'-CAAGGTAACTTCTAAGTTCTCCTCGGTAATTGATGACCAGGAGTTCTGCAGACCACTGTG[C>T]ACTTGCTTTATATTCTAAAAATATCAACCCAGCAATGGCATAGCTTAAGTCACCTATAAA-3'
Protein context (NP_056993.2, residues 185-205): GLIFLEYKAS[Ala195Thr]QWSAELLVIN

ClinVar aggregate classification (germline): Uncertain significance. Review status: criteria provided, multiple submitters, no conflicts (2 of 4 stars). 2 submissions from 2 submitters: Uncertain significance (2). Last evaluated 2024-05-26.

Conditions:
Infantile liver failure syndrome 2 (ILFS2). Identifiers: MedGen C3809651, MONDO:0014659, OMIM 616483.
Short stature-optic atrophy-Pelger-Huët anomaly syndrome. Also called: Short stature, optic nerve atrophy, and Pelger-Huet anomaly; Short stature-optic atrophy-Pelger-HuC+t anomaly syndrome. Identifiers: Orphanet 391677, MedGen C3541319, MONDO:0013889, OMIM 614800.
Inborn genetic diseases. Identifiers: MedGen C0950123, MeSH D030342.

Allele frequency attached by ClinVar (database versions not stated): gnomAD exomes below 0.00001; TOPMed 0.00002; gnomAD 0.00001.
gnomAD v4.1: 4 of 1,613,106 alleles (0.00025%); highest among the groups gnomAD compares: Admixed American, 0.005%; no homozygotes.

Submissions (2):

Ambry Genetics
Classification: Uncertain significance for Inborn genetic diseases. Last evaluated: 2024-05-26. Review status: criteria provided, single submitter. Criteria: Ambry Variant Classification Scheme 2023. Collection method: clinical testing. Allele origin: germline.

Labcorp Genetics (formerly Invitae), Labcorp
Classification: Uncertain significance. Last evaluated: 2022-07-03. Review status: criteria provided, single submitter. Criteria: Invitae Variant Classification Sherloc (09022015). Collection method: clinical testing. Allele origin: germline.
Comment: This sequence change replaces alanine, which is neutral and non-polar, with threonine, which is neutral and polar, at codon 195 of the NBAS protein (p.Ala195Thr). This variant is not present in population databases (gnomAD no frequency). This variant has not been reported in the literature in individuals affected with NBAS-related conditions. ClinVar contains an entry for this variant (Variation ID: 1378255). Algorithms developed to predict the effect of missense changes on protein structure and function are either unavailable or do not agree on the potential impact of this missense change (SIFT: "Deleterious"; PolyPhen-2: "Benign"; Align-GVGD: "Class C55"). In summary, the available evidence is currently insufficient to determine the role of this variant in disease. Therefore, it has been classified as a Variant of Uncertain Significance.